The following is an entry in ClinVar:

ClinVar aggregate classification (germline): Pathogenic (1 of 4 stars; one submission).

Submission:

Clinical Genomics Laboratory, Laboratory for Precision Diagnostics, University of Washington
Classification: Pathogenic. Last evaluated: 2021-06-28. Review status: criteria provided, single submitter. Criteria: ACMG/ClinGen CNV Guidelines, 2019. Collection method: clinical testing. Allele origin: unknown. Affected: yes. Observed: 1 variant allele.

Literature cited by the submitters: PubMed 19363806.

GRCh38/hg38 13q31.3-34(chr13:89779269-114338054)x1

Genes: LRTM3 (leucine rich repeat transmembrane protein 3; minus strand), MBNL2 (muscleblind like splicing regulator 2; plus strand), MCF2L (MCF.2 cell line derived transforming sequence like; plus strand), MCF2L-AS1 (MCF2L antisense RNA 1; minus strand), METTL21C (methyltransferase 21C, AARS1 lysine; minus strand) and 630 more. Cytogenetic location: 13q31.3-34.
Variant type: copy number loss.
Change: copy number 1 (one copy instead of two) of chr13:89,779,269-114,338,054 (24.56 Mb, GRCh38 coordinates, 1-based), cytogenetic band 13q31.3-34.
Identifiers: ClinVar variation 4755345 (VCV004755345.1).